The following is an entry in ClinVar:

NM_130837.3(OPA1):c.1681+11A>G

Gene: OPA1 (OPA1 mitochondrial dynamin like GTPase; plus strand). Cytogenetic location: 3q29.
Variant type: single nucleotide variant.
Coding change: c.1681+11A>G on transcript NM_130837.3 (MANE Select); 11 bases into the intron after coding-DNA position 1681, A replaced by G.
Molecular consequence: intron variant.
Genome position (GRCh38, 1-based): chr3:193,645,636, A>G. VCF-style: chr3-193645636-A-G. GRCh37 (hg19) VCF-style: chr3-193363425-A-G.
Other names: c.1144+11A>G (NM_001354664.2); c.1147+11A>G (NM_001354663.2); c.1570+11A>G (NM_130834.3); c.1627+11A>G (NM_130836.3); c.1516+11A>G (NM_015560.3); c.1573+11A>G (NM_130835.3); c.1462+11A>G (NM_130832.3); c.1519+11A>G (NM_130833.3); and 1 more.
Identifiers: ClinVar variation 2027959 (VCV002027959.4), dbSNP rs1175636587, ClinGen allele CA1430248302.
Genomic context (GRCh38, chr3:193,645,636, plus strand): 5'-GCTCTTCCCAATGAAAGCTTTAGGTTATTTTGCTGTTGTAACAGGAAAAGGTATGCAAAG[A>G]TGGATTATAATAACTTATTTTTAGTTTCTGTTGTTTTCAAATAATAAAGAGTAATTTTCT-3'

ClinVar aggregate classification (germline): Uncertain significance (1 of 4 stars; one submission).

Submission:

Labcorp Genetics (formerly Invitae), Labcorp
Classification: Uncertain significance. Last evaluated: 2022-08-30. Review status: criteria provided, single submitter. Criteria: Invitae Variant Classification Sherloc (09022015). Collection method: clinical testing. Allele origin: germline.
Comment: In summary, the available evidence is currently insufficient to determine the role of this variant in disease. Therefore, it has been classified as a Variant of Uncertain Significance. Algorithms developed to predict the effect of sequence changes on RNA splicing suggest that this variant may create or strengthen a splice site. This variant has not been reported in the literature in individuals affected with OPA1-related conditions. This variant is not present in population databases (gnomAD no frequency). This sequence change falls in intron 15 of the OPA1 gene. It does not directly change the encoded amino acid sequence of the OPA1 protein.